The following is an entry in ClinVar:

NM_005861.4(STUB1):c.788G>A (p.Arg263His)

Genes: JMJD8 (jumonji domain containing 8; minus strand), STUB1 (STIP1 homology and U-box containing protein 1; plus strand). Cytogenetic location: 16p13.3.
Variant type: single nucleotide variant.
Coding change: c.788G>A on transcript NM_005861.4 (MANE Select); coding-DNA position 788, G replaced by A.
Protein change: p.Arg263His; replaces arginine 263 with histidine.
Molecular consequence: missense variant. On other transcripts: 3 prime UTR variant (5), non-coding transcript variant (3).
Genome position (GRCh38, 1-based): chr16:682,365, G>A. VCF-style: chr16-682365-G-A. GRCh37 (hg19) VCF-style: chr16-732365-G-A.
Other names: c.572G>A, p.Arg191His (NM_001293197.2); c.*429C>T (NM_001005920.4, NM_001323919.3, NM_001323920.3); c.*463C>T (NM_001323918.3, NM_001323922.3); short protein forms R191H, R263H.
Identifiers: ClinVar variation 3256994 (VCV003256994.18).
Genomic context (GRCh38, chr16:682,365, plus strand): 5'-AGGGCCAGTGGCATGGTCCTGGGCCCCATGACTGCCCTCTGCCCTTCTTGTCACTGCAGC[G>A]TGTGGGTCATTTTGACCCCGTGACCCGGAGCCCCCTGACCCAGGAACAGCTCATCCCCAA-3'
Protein context (NP_005852.2, residues 253-273): DRKDIEEHLQ[Arg263His]VGHFDPVTRS

ClinVar aggregate classification (germline): Uncertain significance. Review status: criteria provided, multiple submitters, no conflicts (2 of 4 stars). 2 submissions from 2 submitters: Uncertain significance (2). Last evaluated 2024-07-01.

gnomAD v4.1: 2 of 1,613,162 alleles (0.00012%); highest among the groups gnomAD compares: South Asian, 0.0011%; no homozygotes.

Submissions (2):

CeGaT Center for Human Genetics Tuebingen
Classification: Uncertain significance. Last evaluated: 2024-07-01. Review status: criteria provided, single submitter. Criteria: CeGaT Center For Human Genetics Tuebingen Variant Classification Criteria Version 2. Collection method: clinical testing. Allele origin: germline. Affected: yes. Observed: 1 variant allele.
Comment: STUB1: PM2, PM5:Supporting

Blueprint Genetics
Classification: Uncertain significance. Last evaluated: 2019-12-17. Review status: criteria provided, single submitter. Criteria: ACMG Guidelines, 2015. Collection method: clinical testing. Allele origin: germline.